The following is an entry in ClinVar:

NM_007118.4(TRIO):c.713A>G (p.Gln238Arg)

Gene: TRIO (trio Rho guanine nucleotide exchange factor; plus strand). Cytogenetic location: 5p15.2.
Variant type: single nucleotide variant.
Coding change: c.713A>G on transcript NM_007118.4 (MANE Select); coding-DNA position 713, A replaced by G.
Protein change: p.Gln238Arg; replaces glutamine 238 with arginine.
Molecular consequence: missense variant. On other transcripts: non-coding transcript variant (1).
Genome position (GRCh38, 1-based): chr5:14,290,888, A>G. VCF-style: chr5-14290888-A-G. GRCh37 (hg19) VCF-style: chr5-14290997-A-G.
Other names: short protein forms Q238R.
Identifiers: ClinVar variation 3033382 (VCV003033382.2), dbSNP rs1162520614, ClinGen allele CA359207713.

ClinVar aggregate classification (germline): Uncertain significance (0 of 4 stars; one submission).

Conditions:
TRIO-related disorder. Also called: TRIO-related disorders; TRIO-related condition.

gnomAD v4.1: 1 of 1,614,192 alleles (0.000062%); highest among the groups gnomAD compares: African/African-American, 0.0013%; no homozygotes.

Submission:

PreventionGenetics, part of Exact Sciences
Classification: Uncertain significance for TRIO-related condition. Last evaluated: 2023-12-06. Review status: no assertion criteria provided. Collection method: clinical testing. Allele origin: germline.
Comment: The TRIO c.713A>G variant is predicted to result in the amino acid substitution p.Gln238Arg. To our knowledge, this variant has not been reported in the literature or in a large population database, indicating this variant is rare. At this time, the clinical significance of this variant is uncertain due to the absence of conclusive functional and genetic evidence.